The following is an entry in ClinVar:

NC_000003.11:g.(?_14166684)_(14220439_?)del

Genes: LSM3 (LSM3 homolog, U6 small nuclear RNA and mRNA degradation associated; plus strand), TMEM43 (transmembrane protein 43; plus strand), XPC (XPC complex subunit, DNA damage recognition and repair factor; minus strand). Cytogenetic location: 3p25.1.
Variant type: Deletion.
Identifiers: ClinVar variation 1071711 (VCV001071711.5).

ClinVar aggregate classification (germline): Pathogenic (1 of 4 stars; one submission).

Submission:

Labcorp Genetics (formerly Invitae), Labcorp
Classification: Pathogenic. Last evaluated: 2020-07-23. Review status: criteria provided, single submitter. Criteria: Invitae Variant Classification Sherloc (09022015). Collection method: clinical testing. Allele origin: germline.
Comment: For these reasons, this variant has been classified as Pathogenic. Loss-of-function variants in XPC are known to be pathogenic (PMID: 23173980, 25256075). This variant has not been reported in the literature in individuals with XPC-related conditions. A gross deletion of the genomic region encompassing the full coding sequence of the XPC gene has been identified. The boundaries of this event are unknown as the deletion extends beyond the assayed region for this gene and therefore may encompass additional genes.

Literature cited by the submitters: PubMed 23173980; PubMed 25256075.